The following is an entry in ClinVar:

NM_001347721.2(DYRK1A):c.411T>A (p.Asp137Glu)

Gene: DYRK1A (dual specificity tyrosine phosphorylation regulated kinase 1A; plus strand). Cytogenetic location: 21q22.13.
Variant type: single nucleotide variant.
Coding change: c.411T>A on transcript NM_001347721.2 (MANE Select); coding-DNA position 411, T replaced by A.
Protein change: p.Asp137Glu; replaces aspartic acid 137 with glutamic acid.
Molecular consequence: missense variant.
Genome position (GRCh38, 1-based): chr21:37,480,748, T>A. VCF-style: chr21-37480748-T-A. GRCh37 (hg19) VCF-style: chr21-38853050-T-A.
Other names: c.411T>A, p.Asp137Glu (NM_001347722.2, NM_130436.2); c.324T>A, p.Asp108Glu (NM_001347723.2); c.438T>A, p.Asp146Glu (NM_001396.5, NM_101395.2, NM_130438.2); short protein forms D108E, D137E, D146E.
Identifiers: ClinVar variation 1304305 (VCV001304305.2), dbSNP rs2148582342, ClinGen allele CA409944389.
Genomic context (GRCh38, chr21:37,480,748, plus strand): 5'-TTCTAGTCATAAGAAGGAACGGAAGGTTTACAATGATGGTTATGATGATGATAACTATGA[T>A]TATATTGTAAAAAACGGAGAAAAGTGGATGGATCGTTACGAAATTGACTCCTTGATAGGC-3'
Protein context (NP_001334650.1, residues 127-147): YNDGYDDDNY[Asp137Glu]YIVKNGEKWM

ClinVar aggregate classification (germline): Uncertain significance (1 of 4 stars; one submission).

Submission:

GeneDx
Classification: Uncertain significance. Last evaluated: 2019-09-04. Review status: criteria provided, single submitter. Criteria: GeneDx Variant Classification Process June 2021. Collection method: clinical testing. Allele origin: germline. Affected: yes.
Comment: Not observed in large population cohorts (Lek et al., 2016); In silico analysis, which includes protein predictors and evolutionary conservation, supports a deleterious effect; Has not been previously published as pathogenic or benign to our knowledge